The following is an entry in ClinVar:

NM_001655.5(ARCN1):c.1244C>G (p.Ser415Cys)

Gene: ARCN1 (archain 1 coat protein complex I subunit delta; plus strand). Cytogenetic location: 11q23.3.
Variant type: single nucleotide variant.
Coding change: c.1244C>G on transcript NM_001655.5 (MANE Select); coding-DNA position 1244, C replaced by G.
Protein change: p.Ser415Cys; replaces serine 415 with cysteine.
Molecular consequence: missense variant.
Genome position (GRCh38, 1-based): chr11:118,597,709, C>G. VCF-style: chr11-118597709-C-G. GRCh37 (hg19) VCF-style: chr11-118468424-C-G.
Other names: c.980C>G, p.Ser327Cys (NM_001142281.2); short protein forms S327C, S415C.
Identifiers: ClinVar variation 2284054 (VCV002284054.4), dbSNP rs782482572, ClinGen allele CA6306263.

ClinVar aggregate classification (germline): Uncertain significance. Review status: criteria provided, multiple submitters, no conflicts (2 of 4 stars). 2 submissions from 2 submitters: Uncertain significance (2). Last evaluated 2025-09-21.

Conditions:
Inborn genetic diseases. Identifiers: MedGen C0950123, MeSH D030342.

Allele frequency attached by ClinVar (database versions not stated): gnomAD 0.00001; TOPMed 0.00001; gnomAD exomes 0.00002; ExAC 0.00003.
gnomAD v4.1: 30 of 1,613,836 alleles (0.0019%); highest among the groups gnomAD compares: Non-Finnish European, 0.0025%; no homozygotes.

Submissions (2):

Ambry Genetics
Classification: Uncertain significance for Inborn genetic diseases. Last evaluated: 2025-09-21. Review status: criteria provided, single submitter. Criteria: Ambry Variant Classification Scheme 2023. Collection method: clinical testing. Allele origin: germline.

Labcorp Genetics (formerly Invitae), Labcorp
Classification: Uncertain significance. Last evaluated: 2025-07-13. Review status: criteria provided, single submitter. Criteria: Invitae Variant Classification Sherloc (09022015). Collection method: clinical testing. Allele origin: germline.
Comment: This sequence change replaces serine, which is neutral and polar, with cysteine, which is neutral and slightly polar, at codon 415 of the ARCN1 protein (p.Ser415Cys). This variant is present in population databases (rs782482572, gnomAD 0.003%). This variant has not been reported in the literature in individuals affected with ARCN1-related conditions. ClinVar contains an entry for this variant (Variation ID: 2284054). An algorithm developed to predict the effect of missense changes on protein structure and function (PolyPhen-2) suggests that this variant is likely to be disruptive. In summary, the available evidence is currently insufficient to determine the role of this variant in disease. Therefore, it has been classified as a Variant of Uncertain Significance.